The following is an entry in ClinVar:

NM_000038.6(APC):c.729+2876T>C

Gene: APC (APC regulator of WNT signaling pathway; plus strand). Cytogenetic location: 5q22.2.
Variant type: single nucleotide variant.
Coding change: c.729+2876T>C on transcript NM_000038.6 (MANE Select); 2876 bases into the intron after coding-DNA position 729, T replaced by C.
Molecular consequence: intron variant.
Genome position (GRCh38, 1-based): chr5:112,795,405, T>C. VCF-style: chr5-112795405-T-C. GRCh37 (hg19) VCF-style: chr5-112131102-T-C.
Other names: c.729+2876T>C (NM_001354895.2, NM_001127510.3, NM_001354896.2 and 1 more transcripts); c.759+2876T>C (NM_001354897.2, NM_001354902.2); c.676-5874T>C (NM_001127511.3); c.654+2876T>C (NM_001354898.2, NM_001354904.2); c.-307+2876T>C (NM_001354906.2); c.646-5874T>C (NM_001354899.2); c.552+2876T>C (NM_001354900.2, NM_001354901.2, NM_001354905.2).
Identifiers: ClinVar variation 82495 (VCV000082495.2), dbSNP rs79404714, ClinGen allele CA013187.
Genomic context (GRCh38, chr5:112,795,405, plus strand): 5'-ATTCACCAATCAGAAAGCTGCACTGAGTTTTGGTATCCATAATTTTTATTGAAATTTTAT[T>C]CTGTAGGCATGATTAATTAAATAATTGGCCACATGAGGATTAAACTCGATTTCCAGCCTC-3'

ClinVar aggregate classification (germline): other (0 of 4 stars; one submission).

Conditions:
Familial colorectal cancer. Identifiers: MedGen CN280943, MONDO:0023113. Disease mechanism: loss of function.

Submission:

Systems Biology Platform Zhejiang California International NanoSystems Institute
Classification: other for Familial colorectal cancer. Review status: no assertion criteria provided. Collection method: not provided. Allele origin: unknown.
ClinVar note: Converted during submission from cancer to other.